The following is an entry in ClinVar:

NM_003151.4(STAT4):c.751C>T (p.Leu251Phe)

Gene: STAT4 (signal transducer and activator of transcription 4; minus strand). Cytogenetic location: 2q32.2.
Variant type: single nucleotide variant.
Coding change: c.751C>T on transcript NM_003151.4 (MANE Select); coding-DNA position 751, C replaced by T.
Protein change: p.Leu251Phe; replaces leucine 251 with phenylalanine.
Molecular consequence: missense variant.
Genome position (GRCh38, 1-based): chr2:191,064,838, G>A on the plus strand (C>T on the coding strand, the complement: STAT4 is on the minus strand). VCF-style: chr2-191064838-G-A. GRCh37 (hg19) VCF-style: chr2-191929564-G-A.
Other names: c.751C>T, p.Leu251Phe (NM_001243835.2); short protein forms L251F.
Identifiers: ClinVar variation 2800634 (VCV002800634.3), dbSNP rs2470774068, ClinGen allele CA349916956.

ClinVar aggregate classification (germline): Uncertain significance (1 of 4 stars; one submission).

Submission:

Labcorp Genetics (formerly Invitae), Labcorp
Classification: Uncertain significance. Last evaluated: 2023-03-25. Review status: criteria provided, single submitter. Criteria: Invitae Variant Classification Sherloc (09022015). Collection method: clinical testing. Allele origin: germline.
Comment: This sequence change replaces leucine, which is neutral and non-polar, with phenylalanine, which is neutral and non-polar, at codon 251 of the STAT4 protein (p.Leu251Phe). This variant is not present in population databases (gnomAD no frequency). This variant has not been reported in the literature in individuals affected with STAT4-related conditions. Advanced modeling of protein sequence and biophysical properties (such as structural, functional, and spatial information, amino acid conservation, physicochemical variation, residue mobility, and thermodynamic stability) performed at Invitae indicates that this missense variant is not expected to disrupt STAT4 protein function. In summary, the available evidence is currently insufficient to determine the role of this variant in disease. Therefore, it has been classified as a Variant of Uncertain Significance.